The following is an entry in ClinVar:

ClinVar aggregate classification (germline): Benign. Review status: criteria provided, single submitter (1 of 4 stars). 2 submissions from 1 submitter: Benign (2). Last evaluated 2018-01-12.

Conditions:
Orofacial cleft 6, susceptibility to (OFC6). Also called: CLEFT LIP WITH OR WITHOUT CLEFT PALATE, NONSYNDROMIC, 6. Identifiers: MedGen C1837213, MONDO:0012141, OMIM 608864.
Van der Woude syndrome 1. Also called: CLEFT LIP AND/OR PALATE WITH MUCOUS CYSTS OF LOWER LIP; van der Woude Syndrome (VWS). Identifiers: MedGen C4551864, MONDO:0007333, OMIM 119300.

Allele frequency attached by ClinVar (database versions not stated): 1000 Genomes Project 0.00779; 1000 Genomes Project 30x 0.00874; gnomAD 0.00962; TOPMed 0.01037.
gnomAD v4.1: 1,564 of 307,292 alleles (0.51%); highest among the groups gnomAD compares: African/African-American, 3.2%; 31 homozygotes.

Submissions (2):

Illumina Laboratory Services, Illumina
Classification: Benign for Orofacial cleft 6, susceptibility to. Last evaluated: 2018-01-12. Review status: criteria provided, single submitter. Criteria: ICSL Variant Classification Criteria 13 December 2019. Collection method: clinical testing. Allele origin: germline.
Comment: This variant was observed in the ICSL laboratory as part of a predisposition screen in an ostensibly healthy population. It had not been previously curated by ICSL or reported in the Human Gene Mutation Database (HGMD: prior to June 1st, 2018), and was therefore a candidate for classification through an automated scoring system. Utilizing variant allele frequency, disease prevalence and penetrance estimates, and inheritance mode, an automated score was calculated to assess if this variant is too frequent to cause the disease. Based on the score and internal cut-off values, a variant classified as benign is not then subjected to further curation. The score for this variant resulted in a classification of benign for this disease.

Illumina Laboratory Services, Illumina
Classification: Benign for Van der Woude syndrome 1. Last evaluated: 2018-01-12. Review status: criteria provided, single submitter. Criteria: ICSL Variant Classification Criteria 13 December 2019. Collection method: clinical testing. Allele origin: germline.
Comment: the same text as in the submission from Illumina Laboratory Services, Illumina above.

NM_006147.4(IRF6):c.*353T>C

Gene: IRF6 (interferon regulatory factor 6; minus strand). Cytogenetic location: 1q32.2.
Variant type: single nucleotide variant.
Coding change: c.*353T>C on transcript NM_006147.4 (MANE Select); 353 bases downstream of the stop codon, T replaced by C.
Molecular consequence: 3 prime UTR variant.
Genome position (GRCh38, 1-based): chr1:209,788,067, A>G on the plus strand (T>C on the coding strand, the complement: IRF6 is on the minus strand). VCF-style: chr1-209788067-A-G. GRCh37 (hg19) VCF-style: chr1-209961412-A-G.
Other names: c.*353T>C (NM_001206696.2).
Identifiers: ClinVar variation 295201 (VCV000295201.5), dbSNP rs79863693, ClinGen allele CA10609610.